The following is an entry in ClinVar:

ClinVar aggregate classification (germline): Uncertain significance. Review status: criteria provided, single submitter (1 of 4 stars). 2 submissions from 2 submitters: Uncertain significance (1). 1 of the submissions does not count toward it. Last evaluated 2024-01-03.

Conditions:
Hereditary cancer-predisposing syndrome. Also called: Tumor predisposition; Hereditary neoplastic syndrome; Hereditary Cancer Syndrome; Neoplastic Syndromes, Hereditary. Identifiers: Orphanet 140162, MedGen C0027672, MeSH D009386, MONDO:0015356.
EPCAM-related disorder. Also called: EPCAM-related condition.

Allele frequency attached by ClinVar (database versions not stated): gnomAD exomes below 0.00001; TOPMed 0.00001.
gnomAD v4.1: 2 of 1,614,110 alleles (0.00012%); highest among the groups gnomAD compares: Admixed American, 0.0017%; no homozygotes.

Submissions (2):

Ambry Genetics
Classification: Uncertain significance for Hereditary cancer-predisposing syndrome. Last evaluated: 2024-01-03. Review status: criteria provided, single submitter. Criteria: Ambry Variant Classification Scheme 2023. Collection method: clinical testing. Allele origin: germline.
Comment: The p.K83E variant (also known as c.247A>G), located in coding exon 3 of the EPCAM gene, results from an A to G substitution at nucleotide position 247. The lysine at codon 83 is replaced by glutamic acid, an amino acid with similar properties. This amino acid position is conserved. In addition, this alteration is predicted to be tolerated by in silico analysis. Since supporting evidence is limited at this time, the clinical significance of this alteration remains unclear.

PreventionGenetics, part of Exact Sciences
Classification: Uncertain significance for EPCAM-related condition. Last evaluated: 2024-09-03. Review status: no assertion criteria provided. Collection method: clinical testing. Allele origin: germline. Not counted in ClinVar's aggregate classification.
Comment: The EPCAM c.247A>G variant is predicted to result in the amino acid substitution p.Lys83Glu. To our knowledge, this variant has not been reported in the literature or in a large population database, indicating this variant is rare. This variant has an interpretation of uncertain significance in ClinVar. At this time, the clinical significance of this variant is uncertain due to the absence of conclusive functional and genetic evidence.

NM_002354.3(EPCAM):c.247A>G (p.Lys83Glu)

Gene: EPCAM (epithelial cell adhesion molecule; plus strand). Cytogenetic location: 2p21.
Variant type: single nucleotide variant.
Coding change: c.247A>G on transcript NM_002354.3 (MANE Select); coding-DNA position 247, A replaced by G.
Protein change: p.Lys83Glu; replaces lysine 83 with glutamic acid.
Molecular consequence: missense variant.
Genome position (GRCh38, 1-based): chr2:47,373,870, A>G. VCF-style: chr2-47373870-A-G. GRCh37 (hg19) VCF-style: chr2-47601009-A-G.
Other names: short protein forms K83E.
Identifiers: ClinVar variation 3222096 (VCV003222096.2), dbSNP rs1671350319, ClinGen allele CA346722923.
Genomic context (GRCh38, chr2:47,373,870, plus strand): 5'-GCTGCCAAATGTTTGGTGATGAAGGCAGAAATGAATGGCTCAAAACTTGGGAGAAGAGCA[A>G]AACCTGAAGGGGCCCTCCAGAACAATGATGGGCTTTATGATCCTGACTGCGATGAGAGCG-3'
Protein context (NP_002345.2, residues 73-93): MNGSKLGRRA[Lys83Glu]PEGALQNNDG